The following is an entry in ClinVar:

NM_005430.4(WNT1):c.854C>A (p.Ser285Tyr)

Gene: WNT1 (Wnt family member 1; plus strand). Cytogenetic location: 12q13.12.
Variant type: single nucleotide variant.
Coding change: c.854C>A on transcript NM_005430.4 (MANE Select); coding-DNA position 854, C replaced by A.
Protein change: p.Ser285Tyr; replaces serine 285 with tyrosine.
Molecular consequence: missense variant.
Genome position (GRCh38, 1-based): chr12:48,981,381, C>A. VCF-style: chr12-48981381-C-A. GRCh37 (hg19) VCF-style: chr12-49375164-C-A.
Other names: short protein forms S285Y.
Identifiers: ClinVar variation 4737522 (VCV004737522.1).

ClinVar aggregate classification (germline): Uncertain significance (1 of 4 stars; one submission).

Submission:

Labcorp Genetics (formerly Invitae), Labcorp
Classification: Uncertain significance. Last evaluated: 2025-05-22. Review status: criteria provided, single submitter. Criteria: Invitae Variant Classification Sherloc (09022015). Collection method: clinical testing. Allele origin: germline.
Comment: This sequence change replaces serine, which is neutral and polar, with tyrosine, which is neutral and polar, at codon 285 of the WNT1 protein (p.Ser285Tyr). This variant is not present in population databases (gnomAD no frequency). This variant has not been reported in the literature in individuals affected with WNT1-related conditions. Invitae Evidence Modeling of protein sequence and biophysical properties (such as structural, functional, and spatial information, amino acid conservation, physicochemical variation, residue mobility, and thermodynamic stability) indicates that this missense variant is not expected to disrupt WNT1 protein function with a negative predictive value of 80%. In summary, the available evidence is currently insufficient to determine the role of this variant in disease. Therefore, it has been classified as a Variant of Uncertain Significance.